The following is an entry in ClinVar:

NM_013447.4(ADGRE2):c.1107G>T (p.Lys369Asn)

Gene: ADGRE2 (adhesion G protein-coupled receptor E2; minus strand). Cytogenetic location: 19p13.12.
Variant type: single nucleotide variant.
Coding change: c.1107G>T on transcript NM_013447.4 (MANE Select); coding-DNA position 1107, G replaced by T.
Protein change: p.Lys369Asn; replaces lysine 369 with asparagine.
Molecular consequence: missense variant.
Genome position (GRCh38, 1-based): chr19:14,756,323, C>A on the plus strand (G>T on the coding strand, the complement: ADGRE2 is on the minus strand). VCF-style: chr19-14756323-C-A. GRCh37 (hg19) VCF-style: chr19-14867135-C-A.
Other names: c.1107G>T, p.Lys369Asn (NM_001271052.1); c.960G>T, p.Lys320Asn (NM_152916.2); c.828G>T, p.Lys276Asn (NM_152917.2); short protein forms K276N, K369N, K320N.
Identifiers: ClinVar variation 2773033 (VCV002773033.3), dbSNP rs2147284397, ClinGen allele CA404456260.

ClinVar aggregate classification (germline): Uncertain significance (1 of 4 stars; one submission).

Submission:

Labcorp Genetics (formerly Invitae), Labcorp
Classification: Uncertain significance. Last evaluated: 2023-11-09. Review status: criteria provided, single submitter. Criteria: Invitae Variant Classification Sherloc (09022015). Collection method: clinical testing. Allele origin: germline.
Comment: This sequence change replaces lysine, which is basic and polar, with asparagine, which is neutral and polar, at codon 369 of the ADGRE2 protein (p.Lys369Asn). This variant is not present in population databases (gnomAD no frequency). This variant has not been reported in the literature in individuals affected with ADGRE2-related conditions. An algorithm developed to predict the effect of missense changes on protein structure and function (PolyPhen-2) suggests that this variant is likely to be tolerated. In summary, the available evidence is currently insufficient to determine the role of this variant in disease. Therefore, it has been classified as a Variant of Uncertain Significance.